The following is an entry in ClinVar:

ClinVar aggregate classification (germline): Conflicting classifications of pathogenicity. Review status: criteria provided, conflicting classifications (1 of 4 stars). 4 submissions from 4 submitters: Uncertain significance (1); Likely benign (3). Last evaluated 2025-12-24.

Conditions:
Erythrocytosis, familial, 3 (ECYT3). Identifiers: Orphanet 247511, MedGen C1853286, MONDO:0012353, OMIM 609820.

Allele frequency attached by ClinVar (database versions not stated): TOPMed 0.00011; gnomAD exomes 0.00026 and 0.00041; gnomAD 0.00040 and 0.00041; ExAC 0.00057.
gnomAD v4.1: 431 of 1,585,554 alleles (0.027%); highest among the groups gnomAD compares: Non-Finnish European, 0.02%; no homozygotes.

Submissions (4):

Labcorp Genetics (formerly Invitae), Labcorp
Classification: Likely benign for Erythrocytosis, familial, 3. Last evaluated: 2025-12-24. Review status: criteria provided, single submitter. Criteria: Invitae Variant Classification Sherloc (09022015). Collection method: clinical testing. Allele origin: germline.

Center for Genomic Medicine, Rigshospitalet, Copenhagen University Hospital
Classification: Uncertain significance. Last evaluated: 2025-03-04. Review status: criteria provided, single submitter. Criteria: ACMG Guidelines, 2015. Collection method: clinical testing. Allele origin: germline.

CeGaT Center for Human Genetics Tuebingen
Classification: Likely benign. Last evaluated: 2025-01-01. Review status: criteria provided, single submitter. Criteria: CeGaT Center For Human Genetics Tuebingen Variant Classification Criteria Version 2. Collection method: clinical testing. Allele origin: germline. Affected: yes. Observed: 1 variant allele.
Comment: EGLN1: BP4, BS2

Ambry Genetics
Classification: Likely benign. Last evaluated: 2022-09-21. Review status: criteria provided, single submitter. Criteria: Ambry Variant Classification Scheme 2023. Collection method: clinical testing. Allele origin: germline.

Literature cited by the submitters: PubMed 37317877 (cited by Center for Genomic Medicine, Rigshospitalet, Copenhagen University Hospital).

NM_022051.3(EGLN1):c.470A>G (p.Gln157Arg)

Gene: EGLN1 (egl-9 family hypoxia inducible factor 1; minus strand). Cytogenetic location: 1q42.2.
Variant type: single nucleotide variant.
Coding change: c.470A>G on transcript NM_022051.3 (MANE Select); coding-DNA position 470, A replaced by G.
Protein change: p.Gln157Arg; replaces glutamine 157 with arginine.
Molecular consequence: missense variant.
Genome position (GRCh38, 1-based): chr1:231,421,419, T>C on the plus strand (A>G on the coding strand, the complement: EGLN1 is on the minus strand). VCF-style: chr1-231421419-T-C. GRCh37 (hg19) VCF-style: chr1-231557165-T-C.
Other names: c.470A>G, p.Gln157Arg (NM_001377260.1, NM_001377261.1); short protein forms Q157R.
Identifiers: ClinVar variation 414343 (VCV000414343.30), dbSNP rs748272071, ClinGen allele CA1453177.